The following is an entry in ClinVar:

ClinVar aggregate classification (germline): Uncertain significance. Review status: criteria provided, multiple submitters, no conflicts (2 of 4 stars). 3 submissions from 3 submitters: Uncertain significance (2). 1 of the submissions does not count toward it. Last evaluated 2025-11-25.

Conditions:
Epidermolysis bullosa simplex with nail dystrophy (EBS5D). Identifiers: MedGen C4225309, MONDO:0014661, OMIM 616487.
Epidermolysis bullosa simplex 5C, with pyloric atresia (EBS5C). Also called: PLEC-Related Epidermolysis Bullosa with Pyloric Atresia; Epidermolysis bullosa simplex with pyloric atresia; PLEC1-Related Epidermolysis Bullosa with Pyloric Atresia. Identifiers: Orphanet 158684, MedGen C2677349, MONDO:0012807, OMIM 612138.
Epidermolysis bullosa simplex 5B, with muscular dystrophy (EBS5B). Also called: Epidermolysis bullosa simplex with muscular dystrophy; EPIDERMOLYSIS BULLOSA SIMPLEX AND LIMB-GIRDLE MUSCULAR DYSTROPHY. Identifiers: Orphanet 257, MedGen C2931072, MONDO:0009181, OMIM 226670.
Epidermolysis bullosa simplex, Ogna type (EBS5A). Also called: Pidermolysis bullosa simplex 5A, Ogna type; EPIDERMOLYSIS BULLOSA SIMPLEX 5A, OGNA TYPE. Identifiers: Orphanet 79401, MedGen C0432317, MONDO:0007555, OMIM 131950.
Autosomal recessive limb-girdle muscular dystrophy type 2Q (LGMDR17). Also called: MUSCULAR DYSTROPHY, LIMB-GIRDLE, AUTOSOMAL RECESSIVE 17. Identifiers: Orphanet 254361, MedGen C3150989, MONDO:0013390, OMIM 613723.
PLEC-related disorder. Also called: PLEC-related condition; PLEC-related disorders.

Allele frequency attached by ClinVar (database versions not stated): TOPMed 0.00006; gnomAD 0.00007 and 0.00008; ESP Exome Variant Server 0.00016.

Submissions (3):

Labcorp Genetics (formerly Invitae), Labcorp
Classification: Uncertain significance for Autosomal recessive limb-girdle muscular dystrophy type 2Q; Epidermolysis bullosa simplex, Ogna type; Epidermolysis bullosa simplex with nail dystrophy; Epidermolysis bullosa simplex 5C, with pyloric atresia; Epidermolysis bullosa simplex 5B, with muscular dystrophy. Last evaluated: 2025-11-25. Review status: criteria provided, single submitter. Criteria: Invitae Variant Classification Sherloc (09022015). Collection method: clinical testing. Allele origin: germline.
Comment: This sequence change replaces arginine, which is basic and polar, with cysteine, which is neutral and slightly polar, at codon 3299 of the PLEC protein (p.Arg3299Cys). This variant is present in population databases (rs375101631, gnomAD 0.01%). This variant has not been reported in the literature in individuals affected with PLEC-related conditions. ClinVar contains an entry for this variant (Variation ID: 642656). An algorithm developed to predict the effect of missense changes on protein structure and function (PolyPhen-2) suggests that this variant is likely to be disruptive. In summary, the available evidence is currently insufficient to determine the role of this variant in disease. Therefore, it has been classified as a Variant of Uncertain Significance.

Revvity Omics, Revvity
Classification: Uncertain significance. Last evaluated: 2023-05-04. Review status: criteria provided, single submitter. Criteria: ACMG Guidelines, 2015. Collection method: clinical testing. Allele origin: germline.

PreventionGenetics, part of Exact Sciences
Classification: Uncertain significance for PLEC-related condition. Last evaluated: 2024-06-24. Review status: no assertion criteria provided. Collection method: clinical testing. Allele origin: germline. Not counted in ClinVar's aggregate classification.
Comment: The PLEC c.9895C>T variant is predicted to result in the amino acid substitution p.Arg3299Cys. To our knowledge, this variant has not been reported in the literature. This variant is reported in 0.013% of alleles in individuals of South Asian descent in gnomAD. At this time, the clinical significance of this variant is uncertain due to the absence of conclusive functional and genetic evidence.

NM_201384.3(PLEC):c.9814C>T (p.Arg3272Cys)

Gene: PLEC (plectin; minus strand). Cytogenetic location: 8q24.3.
Variant type: single nucleotide variant.
Coding change: c.9814C>T on transcript NM_201384.3 (MANE Select); coding-DNA position 9814, C replaced by T.
Protein change: p.Arg3272Cys; replaces arginine 3272 with cysteine.
Molecular consequence: missense variant.
Genome position (GRCh38, 1-based): chr8:143,920,007, G>A on the plus strand (C>T on the coding strand, the complement: PLEC is on the minus strand). VCF-style: chr8-143920007-G-A. GRCh37 (hg19) VCF-style: chr8-144994175-G-A.
Other names: c.9895C>T, p.Arg3299Cys (NM_000445.5); c.9772C>T, p.Arg3258Cys (NM_201378.4); c.9748C>T, p.Arg3250Cys (NM_201379.3); c.10225C>T, p.Arg3409Cys (NM_201380.4); c.9718C>T, p.Arg3240Cys (NM_201381.3); c.9814C>T, p.Arg3272Cys (NM_201382.4); c.9826C>T, p.Arg3276Cys (NM_201383.3); short protein forms R3272C, R3409C, R3250C, R3258C, R3276C, R3240C, R3299C.
Identifiers: ClinVar variation 642656 (VCV000642656.12), dbSNP rs375101631, ClinGen allele CA4924849.
Genomic context (GRCh38, chr8:143,920,007, plus strand): 5'-CGATGGTAATGAGAATCTTGATGACCTTCTCCACGGTGACCTTGCCCGTGCGGAACTGAC[G>A]CAACAGCTCCTGCCGCTGCTCCGCAGTGAAGTACTCAGAGCTGATGAGCTCCCACACCGT-3'
Protein context (NP_958786.1, residues 3262-3282): FTAEQRQELL[Arg3272Cys]QFRTGKVTVE